The following is an entry in ClinVar:

ClinVar aggregate classification (germline): Uncertain significance. Review status: criteria provided, multiple submitters, no conflicts (2 of 4 stars). 4 submissions from 4 submitters: Uncertain significance (3). 1 of the submissions does not count toward it. Last evaluated 2025-04-02.

Conditions:
Isolated focal cortical dysplasia type II (FCORD2). Also called: CORTICAL DYSPLASIA OF TAYLOR; Focal cortical dysplasia type II. Identifiers: Orphanet 268994, MedGen C1846385, MONDO:0011818, OMIM 607341, HP:0032051.
TSC2-related disorder. Also called: TSC2-related condition; TSC2-Related Disorders.
Hereditary cancer-predisposing syndrome. Also called: Hereditary neoplastic syndrome; Neoplastic Syndromes, Hereditary; Tumor predisposition; Hereditary Cancer Syndrome. Identifiers: Orphanet 140162, MedGen C0027672, MeSH D009386, MONDO:0015356.
Tuberous sclerosis 2 (TSC2). Identifiers: Orphanet 805, MedGen C1860707, MONDO:0013199, OMIM 613254.

Allele frequency attached by ClinVar (database versions not stated): gnomAD exomes below 0.00001; TOPMed below 0.00001; gnomAD 0.00001.
gnomAD v4.1: 2 of 1,613,888 alleles (0.00012%); highest among the groups gnomAD compares: Non-Finnish European, 0.00017%; no homozygotes.

Submissions (4):

Labcorp Genetics (formerly Invitae), Labcorp
Classification: Uncertain significance for Tuberous sclerosis 2. Last evaluated: 2025-04-02. Review status: criteria provided, single submitter. Criteria: Invitae Variant Classification Sherloc (09022015). Collection method: clinical testing. Allele origin: germline.
Comment: This sequence change replaces leucine, which is neutral and non-polar, with arginine, which is basic and polar, at codon 45 of the TSC2 protein (p.Leu45Arg). This variant is not present in population databases (gnomAD no frequency). This variant has not been reported in the literature in individuals affected with TSC2-related conditions. ClinVar contains an entry for this variant (Variation ID: 467862). Invitae Evidence Modeling of protein sequence and biophysical properties (such as structural, functional, and spatial information, amino acid conservation, physicochemical variation, residue mobility, and thermodynamic stability) indicates that this missense variant is not expected to disrupt TSC2 protein function with a negative predictive value of 95%. In summary, the available evidence is currently insufficient to determine the role of this variant in disease. Therefore, it has been classified as a Variant of Uncertain Significance.

Ambry Genetics
Classification: Uncertain significance for Hereditary cancer-predisposing syndrome. Last evaluated: 2024-01-08. Review status: criteria provided, single submitter. Criteria: Ambry Variant Classification Scheme 2023. Collection method: clinical testing. Allele origin: germline.
Comment: The p.L45R variant (also known as c.134T>G), located in coding exon 1 of the TSC2 gene, results from a T to G substitution at nucleotide position 134. The leucine at codon 45 is replaced by arginine, an amino acid with dissimilar properties. This amino acid position is well conserved in available vertebrate species. In addition, this alteration is predicted to be deleterious by in silico analysis. Since supporting evidence is limited at this time, the clinical significance of this alteration remains unclear.

Baylor Genetics
Classification: Uncertain significance for Isolated focal cortical dysplasia type II. Last evaluated: 2023-12-17. Review status: criteria provided, single submitter. Criteria: ACMG Guidelines, 2015. Collection method: clinical testing. Allele origin: unknown.

PreventionGenetics, part of Exact Sciences
Classification: Uncertain significance for TSC2-related condition. Last evaluated: 2023-11-27. Review status: no assertion criteria provided. Collection method: clinical testing. Allele origin: germline. Not counted in ClinVar's aggregate classification.
Comment: The TSC2 c.134T>G variant is predicted to result in the amino acid substitution p.Leu45Arg. To our knowledge, this variant has not been reported in the literature or in a large population database, indicating this variant is rare. At this time, the clinical significance of this variant is uncertain due to the absence of conclusive functional and genetic evidence.

NM_000548.5(TSC2):c.134T>G (p.Leu45Arg)

Gene: TSC2 (TSC complex subunit 2; plus strand). Cytogenetic location: 16p13.3.
Variant type: single nucleotide variant.
Coding change: c.134T>G on transcript NM_000548.5 (MANE Select); coding-DNA position 134, T replaced by G.
Protein change: p.Leu45Arg; replaces leucine 45 with arginine.
Molecular consequence: missense variant. On other transcripts: 5 prime UTR variant (1), intron variant (1).
Genome position (GRCh38, 1-based): chr16:2,048,749, T>G. VCF-style: chr16-2048749-T-G. GRCh37 (hg19) VCF-style: chr16-2098750-T-G.
Other names: c.134T>G, p.Leu45Arg (NM_001077183.3, NM_001114382.3, NM_001318827.2 and 4 more transcripts); c.-93T>G (NM_001318831.2); c.167T>G, p.Leu56Arg (NM_001318832.2); c.-10+684T>G (NM_001318829.2); c.134T>G (NM_000548.4); short protein forms L45R, L56R.
Identifiers: ClinVar variation 467862 (VCV000467862.17), dbSNP rs1383831944, ClinGen allele CA394301803.